The following is an entry in ClinVar:

ClinVar aggregate classification (germline): Pathogenic/Likely pathogenic. Review status: criteria provided, multiple submitters, no conflicts (2 of 4 stars). 23 submissions from 23 submitters: Pathogenic (17); Likely pathogenic (1). 5 of the submissions do not count toward it. Last evaluated 2026-03-30.

Conditions:
ALOXE3-related disorder. Also called: ALOXE3-related condition.
Autosomal recessive congenital ichthyosis (ARCI). Identifiers: Orphanet 281097, MedGen C1274215, MONDO:0017265.
Ichthyosis and erythrokeratoderma.
Lamellar ichthyosis. Identifiers: Orphanet 313, MedGen C5848247, MONDO:0017778.
Autosomal recessive congenital ichthyosis 3 (ARCI3). Also called: ICHTHYOSIS, LAMELLAR, 5. Identifiers: MedGen C3539888, MONDO:0011680, OMIM 606545.

Allele frequency attached by ClinVar (database versions not stated): 1000 Genomes Project 0.00040; 1000 Genomes Project 30x 0.00047; ESP Exome Variant Server 0.00062; TOPMed 0.00084; ExAC 0.00094; gnomAD 0.00102 and 0.00105; gnomAD exomes 0.00103.
gnomAD v4.1: 2,811 of 1,614,128 alleles (0.17%); highest among the groups gnomAD compares: Non-Finnish European, 0.23%; 2 homozygotes.

Submissions 1 to 12 of 23:

Genetics Laboratory, Great Ormond Street Hospital NHS Foundation Trust, North Thames Genomic Laboratory Hub
Classification: Pathogenic for Ichthyosis and erythrokeratoderma. Last evaluated: 2026-03-30. Review status: criteria provided, single submitter. Criteria: ACGS Best Practice Guidelines for Variant Classification in Rare Disease 2024 v1.2. Collection method: clinical testing. Allele origin: germline. Affected: yes.
Comment: PS4_moderate, PP3_supporting, PP1_strong, PM3_strong

PreventionGenetics, part of Exact Sciences
Classification: Pathogenic for ALOXE3-related condition. Last evaluated: 2026-03-26. Review status: criteria provided, single submitter. Criteria: ACMG Guidelines, 2015. Collection method: clinical testing. Allele origin: germline.
Comment: The ALOXE3 c.1889C>T variant is predicted to result in the amino acid substitution p.Pro630Leu. This variant has been reported in the homozygous or compound heterozygous state in individuals with congenital ichthyosis (see for example, Eckl et al. 2005. PubMed ID: 16116617; Table S2, Hotz et al. 2021. PubMed ID: 33435499; Table S1, Pigg et al. 2016. PubMed ID: 27025581), and non-bullous congenital ichthyosiform erythroderma (Table S2, Simpson et al. 2020. PubMed ID: 31168818). In vitro functional studies support its pathogenicity (Eckl et al. 2005. PubMed ID: 16116617). This variant is reported in 0.21% of alleles in individuals of European (non-Finnish) descent in gnomAD. This variant is interpreted as pathogenic.

Labcorp Genetics (formerly Invitae), Labcorp
Classification: Pathogenic. Last evaluated: 2026-01-31. Review status: criteria provided, single submitter. Criteria: Invitae Variant Classification Sherloc (09022015). Collection method: clinical testing. Allele origin: germline.
Comment: This sequence change replaces proline, which is neutral and non-polar, with leucine, which is neutral and non-polar, at codon 630 of the ALOXE3 protein (p.Pro630Leu). This variant is present in population databases (rs147149459, gnomAD 0.2%), and has an allele count higher than expected for a pathogenic variant. This missense change has been observed in individuals with autosomal recessive congenital ichthyosis or self-improving collodion ichthyosis (PMID: 16116617, 19131948, 19890349, 22622417, 27025581). It has also been observed to segregate with disease in related individuals. ClinVar contains an entry for this variant (Variation ID: 279677). Invitae Evidence Modeling of protein sequence and biophysical properties (such as structural, functional, and spatial information, amino acid conservation, physicochemical variation, residue mobility, and thermodynamic stability) indicates that this missense variant is expected to disrupt ALOXE3 protein function with a positive predictive value of 80%. Experimental studies have shown that this missense change affects ALOXE3 function (PMID: 16116617). For these reasons, this variant has been classified as Pathogenic.

First Genomix Gene Laboratory, Genetic Diagnostics Department
Classification: Pathogenic for Autosomal recessive congenital ichthyosis 3. Last evaluated: 2025-09-15. Review status: criteria provided, single submitter. Criteria: ACMG Guidelines, 2015. Collection method: clinical testing. Allele origin: germline. Inheritance: Autosomal recessive inheritance. Affected: no. Observed: 1 variant allele.

Variantyx, Inc.
Classification: Likely pathogenic for Autosomal recessive congenital ichthyosis 3. Last evaluated: 2025-08-06. Review status: criteria provided, single submitter. Criteria: Variantyx Assertion Criteria 2022. Collection method: clinical testing. Allele origin: germline. Inheritance: Autosomal recessive inheritance. Affected: no.
Comment: This is a nonsynonymous variant in the ALOXE3 gene (OMIM: 607206). Pathogenic variants in this gene have been associated with autosomal recessive congenital ichthyosis 3. This variant has been identified in the homozygous or compound heterozygous state in at least 7 individuals reported in the published literature (PMID: 16116617, 19131948, 19890349, 27025581) (PM3_Strong). Functional studies have shown that this variant alters ALOXE3 protein function (PMID: 16116617) (PS3_Moderate), and multiple computational algorithms predict a deleterious effect for this variant (REVEL score: 0.961) (PP3). This variant has a 0.2293% maximum allele frequency in non-founder control populations. Based on the current evidence, this variant is classified as likely pathogenic for autosomal recessive congenital ichthyosis 3.

Dasa
Classification: Pathogenic. Last evaluated: 2025-08-04. Review status: criteria provided, single submitter. Criteria: DASA Assertion Criteria. Collection method: clinical testing. Allele origin: germline.
Comment: NM_021628.3(ALOXE3):c.1889C>T (p.Pro630Leu) is a missense variant that results in the substitution of proline with leucine. Segregation evidence has been reported in affected families. This variant has been recurrently observed in affected individuals with related phenotype in a genotype context consistent with recessive disease (PMID: 16116617; PMID: 19131948; PMID: 19890349; PMID: 22622417; PMID: 27025581). Functional evidence supports a deleterious effect on the gene or gene product (PMID: 16116617; PMID: 19131948; PMID: 19890349; PMID: 22622417; PMID: 27025581). Multiple computational predictions support a deleterious effect on the gene or gene product. The variant is present at low frequency in population datasets. Based on the available data, this variant is classified as pathogenic.

CeGaT Center for Human Genetics Tuebingen
Classification: Pathogenic. Last evaluated: 2025-08-01. Review status: criteria provided, single submitter. Criteria: CeGaT Center For Human Genetics Tuebingen Variant Classification Criteria Version 2. Collection method: clinical testing. Allele origin: germline. Affected: yes. Observed: 6 variant alleles.
Comment: ALOXE3: PM3:Very Strong, PM2:Supporting, PP4, PS3:Supporting

Clinical Genomics Laboratory, Washington University in St. Louis
Classification: Pathogenic for Autosomal recessive congenital ichthyosis 3. Last evaluated: 2025-04-21. Review status: criteria provided, single submitter. Criteria: ACMG Guidelines, 2015. Collection method: clinical testing. Allele origin: germline.
Comment: The ALOXE3 c.1889C>T (p.Pro630Leu) variant has been reported in at least 20 individuals affected with autosomal recessive congenital ichthyosis. Of those individuals, 10 were compound heterozygous for the variant and a pathogenic or likely pathogenic variant confirmed in trans (Bučková H et al., PMID: 25998749; Eckl KM et al., PMID: 16116617; Eckl KM et al. PMID: 19131948; Pigg MH et al., PMID: 27025581; Vahlquist A et al., PMID: 19890349). This variant has been reported in the ClinVar database as a pathogenic variant by multiple submitters (ClinVar ID: 279677). The highest population minor allele frequency in the population database genome aggregation database (v.2.1.1) is 0.2% in the European non-Finnish population. Computational predictors indicate that the variant is damaging, evidence that correlates with impact to ALOXE3 function. Functional studies show that p.Pro630Leu results in complete loss of eLOX-3 enzymatic activity in HEK293 cells indicating that this variant impacts protein function (Eckl KM et al., PMID: 16116617). Based on available information and the ACMG/AMP guidelines for variant interpretation (Richards S et al., PMID: 25741868), this variant is classified as pathogenic.

Blueprint Genetics
Classification: Pathogenic for ALOXE3-related disorders. Last evaluated: 2024-10-09. Review status: criteria provided, single submitter. Criteria: ACMG Guidelines, 2015. Collection method: clinical testing. Allele origin: germline. Affected: yes. Observed: 5 variant alleles.

Fulgent Genetics
Classification: Pathogenic for Autosomal recessive congenital ichthyosis 3. Last evaluated: 2024-03-19. Review status: criteria provided, single submitter. Criteria: ACMG Guidelines, 2015. Collection method: clinical testing. Allele origin: germline.

Revvity Omics, Revvity
Classification: Pathogenic for Autosomal recessive congenital ichthyosis 3. Last evaluated: 2023-02-27. Review status: criteria provided, single submitter. Criteria: ACMG Guidelines, 2015. Collection method: clinical testing. Allele origin: germline.

Clinical Genetics Laboratory, Skane University Hospital Lund
Classification: Pathogenic. Last evaluated: 2022-07-13. Review status: criteria provided, single submitter. Criteria: ACMG Guidelines, 2015. Collection method: clinical testing. Allele origin: germline. Affected: yes.

NM_021628.3(ALOXE3):c.1889C>T (p.Pro630Leu)

Gene: ALOXE3 (arachidonate epidermal lipoxygenase 3; minus strand). Cytogenetic location: 17p13.1.
Variant type: single nucleotide variant.
Coding change: c.1889C>T on transcript NM_021628.3 (MANE Select); coding-DNA position 1889, C replaced by T.
Protein change: p.Pro630Leu; replaces proline 630 with leucine.
Molecular consequence: missense variant.
Genome position (GRCh38, 1-based): chr17:8,103,390, G>A on the plus strand (C>T on the coding strand, the complement: ALOXE3 is on the minus strand). VCF-style: chr17-8103390-G-A. GRCh37 (hg19) VCF-style: chr17-8006708-G-A.
Other names: c.2285C>T, p.Pro762Leu (NM_001165960.1); c.1886C>T, p.Pro629Leu (NM_001369446.1); short protein forms P762L, P630L, P629L.
Identifiers: ClinVar variation 279677 (VCV000279677.81), dbSNP rs147149459, ClinGen allele CA8367920.